The following is an entry in ClinVar:

ClinVar aggregate classification (germline): Uncertain significance (1 of 4 stars; one submission).

Conditions:
POLD1-related polyposis and colorectal cancer syndrome (CRCS10). Also called: Colorectal cancer 10; Colorectal cancer, susceptibility to, 10; COLORECTAL CANCER, SUSCEPTIBILITY TO, ON CHROMOSOME 19q. Identifiers: Orphanet 220460, MedGen C2675481, MONDO:0012953, OMIM 612591.

Submission:

Labcorp Genetics (formerly Invitae), Labcorp
Classification: Uncertain significance for POLD1-related polyposis and colorectal cancer syndrome. Last evaluated: 2023-08-04. Review status: criteria provided, single submitter. Criteria: Invitae Variant Classification Sherloc (09022015). Collection method: clinical testing. Allele origin: germline.
Comment: In summary, the available evidence is currently insufficient to determine the role of this variant in disease. Therefore, it has been classified as a Variant of Uncertain Significance. Advanced modeling of protein sequence and biophysical properties (such as structural, functional, and spatial information, amino acid conservation, physicochemical variation, residue mobility, and thermodynamic stability) performed at Invitae indicates that this missense variant is not expected to disrupt POLD1 protein function. This variant has not been reported in the literature in individuals affected with POLD1-related conditions. This variant is not present in population databases (gnomAD no frequency). This sequence change replaces aspartic acid, which is acidic and polar, with alanine, which is neutral and non-polar, at codon 870 of the POLD1 protein (p.Asp870Ala).

NM_002691.4(POLD1):c.2609A>C (p.Asp870Ala)

Gene: POLD1 (DNA polymerase delta 1, catalytic subunit; plus strand). Cytogenetic location: 19q13.33.
Variant type: single nucleotide variant.
Coding change: c.2609A>C on transcript NM_002691.4 (MANE Select); coding-DNA position 2609, A replaced by C.
Protein change: p.Asp870Ala; replaces aspartic acid 870 with alanine.
Molecular consequence: missense variant. On other transcripts: non-coding transcript variant (1).
Genome position (GRCh38, 1-based): chr19:50,415,482, A>C. VCF-style: chr19-50415482-A-C. GRCh37 (hg19) VCF-style: chr19-50918739-A-C.
Other names: c.2609A>C, p.Asp870Ala (NM_001256849.1); c.2687A>C, p.Asp896Ala (NM_001308632.1); short protein forms D896A, D870A.
Identifiers: ClinVar variation 2749955 (VCV002749955.3), dbSNP rs2514053587, ClinGen allele CA406985413.